The following is an entry in ClinVar:

NM_002242.4(KCNJ13):c.473C>A (p.Ala158Glu)

Genes: GIGYF2 (GRB10 interacting GYF protein 2; plus strand), KCNJ13 (potassium inwardly rectifying channel subfamily J member 13; minus strand). Cytogenetic location: 2q37.1.
Variant type: single nucleotide variant.
Coding change: c.473C>A on transcript NM_002242.4 (MANE Select); coding-DNA position 473, C replaced by A.
Protein change: p.Ala158Glu; replaces alanine 158 with glutamic acid.
Molecular consequence: missense variant. On other transcripts: synonymous variant (1), intron variant (4).
Genome position (GRCh38, 1-based): chr2:232,768,801, G>T on the plus strand (C>A on the coding strand, the complement: KCNJ13 is on the minus strand). VCF-style: chr2-232768801-G-T. GRCh37 (hg19) VCF-style: chr2-233633511-G-T.
Other names: c.237C>A, p.Gly79= (NM_001172416.1); c.233C>A, p.Ala78Glu (NM_001172417.1); c.532+7365G>T (NM_001103146.3, NM_015575.4, NM_001103147.2 and 1 more transcripts); short protein forms A78E, A158E.
Identifiers: ClinVar variation 2039175 (VCV002039175.6), dbSNP rs727503972, ClinGen allele CA351010595.
Genomic context (GRCh38, chr2:232,768,801, plus strand): 5'-ACTACTGCTGTGTCAGTAAAGCGAATTGAAAAAGCTCGATTTTTTGGCCGGGCAATCTTC[G>T]CCACAAAAGCACCTAAATAAGAAATTATTGATTTTTTTTTAGAATGAAGACTTTAAATAT-3'
Protein context (NP_002233.2, residues 148-168): LEAFITGAFV[Ala158Glu]KIARPKNRAF

ClinVar aggregate classification (germline): Uncertain significance. Review status: criteria provided, multiple submitters, no conflicts (2 of 4 stars). 2 submissions from 2 submitters: Uncertain significance (2). Last evaluated 2024-12-31.

gnomAD v4.1: 5 of 1,604,218 alleles (0.00031%); highest among the groups gnomAD compares: Admixed American, 0.0017%; no homozygotes.

Submissions (2):

Dasa
Classification: Uncertain significance. Last evaluated: 2024-12-31. Review status: criteria provided, single submitter. Criteria: DASA Assertion Criteria. Collection method: clinical testing. Allele origin: germline.
Comment: NM_002242.4(KCNJ13):c.473C>A (p.Ala158Glu) is a missense variant that results in the substitution of alanine with glutamic acid. The affected residue or protein region has prior evidence supporting clinical relevance. This variant is rare in population databases. Computational prediction algorithms are consistent with a deleterious effect. The currently available literature and clinical evidence are not sufficient to establish a definitive association between this variant and the reported condition. Therefore, this variant is classified as a variant of uncertain significance.

Labcorp Genetics (formerly Invitae), Labcorp
Classification: Uncertain significance. Last evaluated: 2024-10-29. Review status: criteria provided, single submitter. Criteria: Invitae Variant Classification Sherloc (09022015). Collection method: clinical testing. Allele origin: germline.
Comment: This sequence change replaces alanine, which is neutral and non-polar, with glutamic acid, which is acidic and polar, at codon 158 of the KCNJ13 protein (p.Ala158Glu). This variant is present in population databases (no rsID available, gnomAD 0.003%). This variant has not been reported in the literature in individuals affected with KCNJ13-related conditions. ClinVar contains an entry for this variant (Variation ID: 2039175). Invitae Evidence Modeling of protein sequence and biophysical properties (such as structural, functional, and spatial information, amino acid conservation, physicochemical variation, residue mobility, and thermodynamic stability) indicates that this missense variant is expected to disrupt KCNJ13 protein function with a positive predictive value of 80%. In summary, the available evidence is currently insufficient to determine the role of this variant in disease. Therefore, it has been classified as a Variant of Uncertain Significance.